The following is an entry in ClinVar:

NM_001134363.3(RBM20):c.3515G>C (p.Ser1172Thr)

Gene: RBM20 (RNA binding motif protein 20; plus strand). Cytogenetic location: 10q25.2.
Variant type: single nucleotide variant.
Coding change: c.3515G>C on transcript NM_001134363.3 (MANE Select); coding-DNA position 3515, G replaced by C.
Protein change: p.Ser1172Thr; replaces serine 1172 with threonine.
Molecular consequence: missense variant.
Genome position (GRCh38, 1-based): chr10:110,831,124, G>C. VCF-style: chr10-110831124-G-C. GRCh37 (hg19) VCF-style: chr10-112590882-G-C.
Other names: short protein forms S1172T.
Identifiers: ClinVar variation 4743294 (VCV004743294.1).
Genomic context (GRCh38, chr10:110,831,124, plus strand): 5'-TGGAGTTCGTGGTTCCCAGGACTGGCTTTTATTGCAAGCTGTGTGGGCTGTTCTACACGA[G>C]CGAGGAGACAGCAAAGATGAGCCACTGCCGCAGCGCTGTCCACTACAGGAACTTACAGGT-3'
Protein context (NP_001127835.2, residues 1162-1182): YCKLCGLFYT[Ser1172Thr]EETAKMSHCR

ClinVar aggregate classification (germline): Uncertain significance (1 of 4 stars; one submission).

Conditions:
Dilated cardiomyopathy 1DD (CMD1DD). Identifiers: Orphanet 154, MedGen C2750995, MONDO:0013168, OMIM 613172.

gnomAD v4.1: 1 of 1,551,502 alleles (0.000064%); highest among the groups gnomAD compares: Non-Finnish European, 0.000087%; no homozygotes.

Submission:

Labcorp Genetics (formerly Invitae), Labcorp
Classification: Uncertain significance for Dilated cardiomyopathy 1DD. Last evaluated: 2025-11-21. Review status: criteria provided, single submitter. Criteria: Invitae Variant Classification Sherloc (09022015). Collection method: clinical testing. Allele origin: germline.
Comment: This sequence change replaces serine, which is neutral and polar, with threonine, which is neutral and polar, at codon 1172 of the RBM20 protein (p.Ser1172Thr). This variant is not present in population databases (gnomAD no frequency). This variant has not been reported in the literature in individuals affected with RBM20-related conditions. Invitae Evidence Modeling of protein sequence and biophysical properties (such as structural, functional, and spatial information, amino acid conservation, physicochemical variation, residue mobility, and thermodynamic stability) indicates that this missense variant is not expected to disrupt RBM20 protein function with a negative predictive value of 95%. In summary, the available evidence is currently insufficient to determine the role of this variant in disease. Therefore, it has been classified as a Variant of Uncertain Significance.